The following is an entry in ClinVar:

ClinVar aggregate classification (germline): Conflicting classifications of pathogenicity. Review status: criteria provided, conflicting classifications (1 of 4 stars). 3 submissions from 3 submitters: Uncertain significance (1); Likely benign (1). 1 of the submissions does not count toward it. Last evaluated 2023-08-04.

Conditions:
Prostate cancer. Also called: Malignant tumor of prostate. Identifiers: Orphanet 1331, MedGen C0376358, MONDO:0008315, HP:0012125.

Allele frequency attached by ClinVar (database versions not stated): gnomAD 0.00012 and 0.00015; TOPMed 0.00019; ESP Exome Variant Server 0.00031; 1000 Genomes Project 0.00040; 1000 Genomes Project 30x 0.00031; gnomAD exomes 0.00003 and 0.00008; ExAC 0.00012.
gnomAD v4.1: 71 of 1,612,632 alleles (0.0044%); highest among the groups gnomAD compares: African/African-American, 0.035%; no homozygotes.

Submissions (3):

Labcorp Genetics (formerly Invitae), Labcorp
Classification: Uncertain significance. Last evaluated: 2023-08-04. Review status: criteria provided, single submitter. Criteria: Invitae Variant Classification Sherloc (09022015). Collection method: clinical testing. Allele origin: germline.
Comment: In summary, the available evidence is currently insufficient to determine the role of this variant in disease. Therefore, it has been classified as a Variant of Uncertain Significance. Algorithms developed to predict the effect of missense changes on protein structure and function output the following: SIFT: "Not Available"; PolyPhen-2: "Benign"; Align-GVGD: "Not Available". The lysine amino acid residue is found in multiple mammalian species, which suggests that this missense change does not adversely affect protein function. ClinVar contains an entry for this variant (Variation ID: 161583). This variant has not been reported in the literature in individuals affected with CDH3-related conditions. This variant is present in population databases (rs193921054, gnomAD 0.05%). This sequence change replaces glutamic acid, which is acidic and polar, with lysine, which is basic and polar, at codon 79 of the CDH3 protein (p.Glu79Lys).

Blueprint Genetics
Classification: Likely benign. Last evaluated: 2022-01-28. Review status: criteria provided, single submitter. Criteria: ACMG Guidelines, 2015. Collection method: clinical testing. Allele origin: germline.

Science for Life laboratory,  Karolinska Institutet
Classification: Uncertain significance for Malignant tumor of prostate. Review status: no assertion criteria provided. Collection method: not provided. Allele origin: somatic. Not counted in ClinVar's aggregate classification.
Comment: TumorID:SWE-9
ClinVar note: Converted during submission from Unknown to Uncertain significance.

NM_001793.6(CDH3):c.235G>A (p.Glu79Lys)

Gene: CDH3 (cadherin 3; plus strand). Cytogenetic location: 16q22.1.
Variant type: single nucleotide variant.
Coding change: c.235G>A on transcript NM_001793.6 (MANE Select); coding-DNA position 235, G replaced by A.
Protein change: p.Glu79Lys; replaces glutamic acid 79 with lysine.
Molecular consequence: missense variant.
Genome position (GRCh38, 1-based): chr16:68,676,459, G>A. VCF-style: chr16-68676459-G-A. GRCh37 (hg19) VCF-style: chr16-68710362-G-A.
Other names: c.235G>A, p.Glu79Lys (NM_001317195.3); c.70G>A, p.Glu24Lys (NM_001317196.2); short protein forms E79K, E24K.
Identifiers: ClinVar variation 161583 (VCV000161583.9), dbSNP rs193921054, ClinGen allele CA174395.
Genomic context (GRCh38, chr16:68,676,459, plus strand): 5'-CCTGGGCAAGAGCCAGCTCTGTTTAGCACTGATAATGATGACTTCACTGTGCGGAATGGC[G>A]AGACAGTCCAGGTAAAATACCATGTCCACCTGCAGGACAAAAGAAAGATGTTCTCTGTGC-3'
Protein context (NP_001784.2, residues 69-89): DNDDFTVRNG[Glu79Lys]TVQERRSLKE